The following is an entry in ClinVar:

ClinVar aggregate classification (germline): Benign/Likely benign. Review status: criteria provided, multiple submitters, no conflicts (2 of 4 stars). 10 submissions from 10 submitters: Benign (7); Likely benign (3). Last evaluated 2026-02-03.

Conditions:
Inborn genetic diseases. Identifiers: MedGen C0950123, MeSH D030342.
Cortical dysplasia-focal epilepsy syndrome (PTHSL1). Also called: Pitt-Hopkins-like syndrome 1. Identifiers: Orphanet 163681, Orphanet 221150, MedGen C2750246, MONDO:0012400, OMIM 610042.

Allele frequency attached by ClinVar (database versions not stated): gnomAD 0.00435 and 0.00454; ESP Exome Variant Server 0.00507; TOPMed 0.00515; 1000 Genomes Project 0.00599; 1000 Genomes Project 30x 0.00625; ExAC 0.00155.
gnomAD v4.1: 1,331 of 1,613,712 alleles (0.082%); highest among the groups gnomAD compares: African/African-American, 1.5%; 10 homozygotes.

Submissions (10):

Labcorp Genetics (formerly Invitae), Labcorp
Classification: Benign for Cortical dysplasia-focal epilepsy syndrome. Last evaluated: 2026-02-03. Review status: criteria provided, single submitter. Criteria: Invitae Variant Classification Sherloc (09022015). Collection method: clinical testing. Allele origin: germline.

ARUP Laboratories, Molecular Genetics and Genomics, ARUP Laboratories
Classification: Benign. Last evaluated: 2025-01-22. Review status: criteria provided, single submitter. Criteria: ARUP Molecular Germline Variant Investigation Process 2024. Collection method: clinical testing. Allele origin: germline.

Blueprint Genetics
Classification: Likely benign. Last evaluated: 2024-11-18. Review status: criteria provided, single submitter. Criteria: ACMG Guidelines, 2015. Collection method: clinical testing. Allele origin: germline.

Mayo Clinic Laboratories, Mayo Clinic
Classification: Benign. Last evaluated: 2020-12-24. Review status: criteria provided, single submitter. Criteria: ACMG Guidelines, 2015. Collection method: clinical testing. Allele origin: germline. Observed: 4 variant alleles.

Illumina Laboratory Services, Illumina
Classification: Benign for Cortical dysplasia-focal epilepsy syndrome. Last evaluated: 2018-01-13. Review status: criteria provided, single submitter. Criteria: ICSL Variant Classification Criteria 13 December 2019. Collection method: clinical testing. Allele origin: germline.
Comment: This variant was observed in the ICSL laboratory as part of a predisposition screen in an ostensibly healthy population. It had not been previously curated by ICSL or reported in the Human Gene Mutation Database (HGMD: prior to June 1st, 2018), and was therefore a candidate for classification through an automated scoring system. Utilizing variant allele frequency, disease prevalence and penetrance estimates, and inheritance mode, an automated score was calculated to assess if this variant is too frequent to cause the disease. Based on the score and internal cut-off values, a variant classified as benign is not then subjected to further curation. The score for this variant resulted in a classification of benign for this disease.

Athena Diagnostics
Classification: Benign. Last evaluated: 2016-10-18. Review status: criteria provided, single submitter. Criteria: Athena Diagnostics Criteria. Collection method: clinical testing. Allele origin: germline.

Ambry Genetics
Classification: Likely benign for Inborn genetic diseases. Last evaluated: 2016-05-02. Review status: criteria provided, single submitter. Criteria: Ambry Variant Classification Scheme 2023. Collection method: clinical testing. Allele origin: germline.

GeneDx
Classification: Benign. Last evaluated: 2013-01-31. Review status: criteria provided, single submitter. Criteria: GeneDx Variant Classification (06012015). Collection method: clinical testing. Allele origin: germline. Affected: yes.
Comment: This variant is considered likely benign or benign based on one or more of the following criteria: it is a conservative change, it occurs at a poorly conserved position in the protein, it is predicted to be benign by multiple in silico algorithms, and/or has population frequency not consistent with disease.

Breakthrough Genomics
Classification: Likely benign. Review status: criteria provided, single submitter. Criteria: ACMG Guidelines, 2015. Collection method: not provided. Allele origin: germline. Inheritance: Autosomal recessive inheritance. Affected: yes.

PreventionGenetics, part of Exact Sciences
Classification: Benign. Review status: criteria provided, single submitter. Criteria: ACMG Guidelines, 2015. Collection method: clinical testing. Allele origin: germline.

NM_014141.6(CNTNAP2):c.1137C>T (p.Asn379=)

Gene: CNTNAP2 (contactin associated protein 2; plus strand). Cytogenetic location: 7q35.
Variant type: single nucleotide variant.
Coding change: c.1137C>T on transcript NM_014141.6 (MANE Select); coding-DNA position 1137, C replaced by T.
Protein change: p.Asn379=; no amino-acid change (asparagine 379 retained).
Molecular consequence: synonymous variant.
Genome position (GRCh38, 1-based): chr7:147,132,298, C>T. VCF-style: chr7-147132298-C-T. GRCh37 (hg19) VCF-style: chr7-146829390-C-T.
Other names: p.N379N:AAC>AAT; p.Asn379=.
Identifiers: ClinVar variation 136812 (VCV000136812.25), dbSNP rs78543192, ClinGen allele CA290167.